The following is an entry in ClinVar:

ClinVar aggregate classification (germline): Uncertain significance (1 of 4 stars; one submission).

Conditions:
Acute myeloid leukemia (AML). Also called: Acute myeloid leukemia, adult; AML adult; Acute non-lymphocytic leukemia; Acute granulocytic leukemia; Leukemia, acute myeloid, somatic; Leukemia, acute myelogenous, somatic. Identifiers: Orphanet 519, MedGen C0023467, MeSH D015470, MONDO:0018874, OMIM 601626, HP:0004808. Disease mechanism: Constitutively activated FLT3.

Submission:

Labcorp Genetics (formerly Invitae), Labcorp
Classification: Uncertain significance for Acute myeloid leukemia. Last evaluated: 2025-07-13. Review status: criteria provided, single submitter. Criteria: Invitae Variant Classification Sherloc (09022015). Collection method: clinical testing. Allele origin: germline.
Comment: This sequence change replaces histidine, which is basic and polar, with arginine, which is basic and polar, at codon 191 of the CEBPA protein (p.His191Arg). This variant is not present in population databases (gnomAD no frequency). This variant has not been reported in the literature in individuals affected with CEBPA-related conditions. An algorithm developed to predict the effect of missense changes on protein structure and function (PolyPhen-2) suggests that this variant is likely to be tolerated. In summary, the available evidence is currently insufficient to determine the role of this variant in disease. Therefore, it has been classified as a Variant of Uncertain Significance.

NM_004364.5(CEBPA):c.572A>G (p.His191Arg)

Gene: CEBPA (CCAAT enhancer binding protein alpha; minus strand). Cytogenetic location: 19q13.11.
Variant type: single nucleotide variant.
Coding change: c.572A>G on transcript NM_004364.5 (MANE Select); coding-DNA position 572, A replaced by G.
Protein change: p.His191Arg; replaces histidine 191 with arginine.
Molecular consequence: missense variant.
Genome position (GRCh38, 1-based): chr19:33,301,843, T>C on the plus strand (A>G on the coding strand, the complement: CEBPA is on the minus strand). VCF-style: chr19-33301843-T-C. GRCh37 (hg19) VCF-style: chr19-33792749-T-C.
Other names: c.215A>G, p.His72Arg (NM_001285829.2); c.677A>G, p.His226Arg (NM_001287424.2); c.530A>G, p.His177Arg (NM_001287435.2); short protein forms H226R, H72R, H191R, H177R.
Identifiers: ClinVar variation 4723052 (VCV004723052.1).
Genomic context (GRCh38, chr19:33,301,843, plus strand): 5'-GCGATCTGGAACTGCAGGTGCGGGGCGGCCAGGTGCGCGGGCGGCGGGTGCGGGTGCGGG[T>C]GCGAGGGCGGCGGCGGCGGCGGCGGCTGGTAAGGGAAGAGGCCGGCCAGCGCCAGCTGCT-3'
Protein context (NP_004355.2, residues 181-201): YQPPPPPPPS[His191Arg]PHPHPPPAHL